The following is an entry in ClinVar:

ClinVar aggregate classification (germline): Likely benign (1 of 4 stars; one submission).

Allele frequency attached by ClinVar (database versions not stated): TOPMed 0.00002; gnomAD exomes 0.00003; gnomAD 0.00005; ExAC 0.00006.
gnomAD v4.1: 44 of 1,613,378 alleles (0.0027%); highest among the groups gnomAD compares: Non-Finnish European, 0.0036%; no homozygotes.

Submission:

CeGaT Center for Human Genetics Tuebingen
Classification: Likely benign. Last evaluated: 2023-08-01. Review status: criteria provided, single submitter. Criteria: CeGaT Center For Human Genetics Tuebingen Variant Classification Criteria Version 2. Collection method: clinical testing. Allele origin: germline. Affected: yes. Observed: 1 variant allele.
Comment: BRPF1: BP4

NM_001003694.2(BRPF1):c.2763G>A (p.Arg921=)

Gene: BRPF1 (bromodomain and PHD finger containing 1; plus strand). Cytogenetic location: 3p25.3.
Variant type: single nucleotide variant.
Coding change: c.2763G>A on transcript NM_001003694.2 (MANE Select); coding-DNA position 2763, G replaced by A.
Protein change: p.Arg921=; no amino-acid change (arginine 921 retained).
Molecular consequence: synonymous variant. On other transcripts: non-coding transcript variant (1), intron variant (1).
Genome position (GRCh38, 1-based): chr3:9,744,351, G>A. VCF-style: chr3-9744351-G-A. GRCh37 (hg19) VCF-style: chr3-9786035-G-A.
Other names: c.2742G>A, p.Arg914= (NM_001319050.2); c.2760G>A, p.Arg920= (NM_001410704.1); c.2745G>A, p.Arg915= (NM_004634.3); c.2617+450G>A (NM_001319049.2).
Identifiers: ClinVar variation 2653494 (VCV002653494.24), dbSNP rs766299473, ClinGen allele CA2242196.